The following is an entry in ClinVar:

NM_005902.4(SMAD3):c.138del (p.Gln47fs)

Gene: SMAD3 (SMAD family member 3; plus strand). Cytogenetic location: 15q22.33.
Variant type: Deletion.
Coding change: c.138del on transcript NM_005902.4 (MANE Select); coding-DNA position 138, one base deleted (G; older notation c.138delG).
Protein change: p.Gln47fs; shifts the reading frame from glutamine 47.
Molecular consequence: frameshift variant.
Genome position (GRCh38, 1-based): chr15:67,066,292, G deleted; the last of 4 consecutive G bases (chr15:67,066,289-67,066,292); deleting any one gives the same sequence. VCF-style (leftmost placement, unchanged base first): chr15-67066288-CG-C. GRCh37 (hg19) VCF-style: chr15-67358626-CG-C.
Other names: c.138del (NM_005902.3); short protein forms Q47fs.
Identifiers: ClinVar variation 477570 (VCV000477570.8), dbSNP rs1555405108, ClinGen allele CA658658298.
Genomic context (GRCh38, chr15:67,066,288, plus strand): 5'-GGCAGGAGGAGAAATGGTGCGAGAAGGCGGTCAAGAGCCTGGTCAAGAAACTCAAGAAGA[CG>C]GGGCAGCTGGACGAGCTGGAGAAGGCCATCACCACGCAGAACGTCAACACCAAGTGCATC-3'

ClinVar aggregate classification (germline): Pathogenic (1 of 4 stars; one submission).

Conditions:
Familial thoracic aortic aneurysm and aortic dissection (TAAD). Also called: Thoracic aortic aneurysms and dissections. Identifiers: Orphanet 91387, MedGen C4707243, MONDO:0019625.

Submission:

Labcorp Genetics (formerly Invitae), Labcorp
Classification: Pathogenic for Familial thoracic aortic aneurysm and aortic dissection. Last evaluated: 2019-11-27. Review status: criteria provided, single submitter. Criteria: Invitae Variant Classification Sherloc (09022015). Collection method: clinical testing. Allele origin: germline.
Comment: For these reasons, this variant has been classified as Pathogenic. Loss-of-function variants in SMAD3 are known to be pathogenic (PMID: 21778426, 24804794). This variant has not been reported in the literature in individuals with SMAD3-related disease. ClinVar contains an entry for this variant (Variation ID: 477570). This variant is not present in population databases (ExAC no frequency). This sequence change creates a premature translational stop signal (p.Gln47Serfs*69) in the SMAD3 gene. It is expected to result in an absent or disrupted protein product.

Literature cited by the submitters: PubMed 21778426; PubMed 24804794.